The following is an entry in ClinVar:

NM_001127511.3(APC):c.-112G>A

Gene: APC (APC regulator of Wnt signaling pathway; plus strand). Cytogenetic location: 5q22.2.
Variant type: single nucleotide variant.
Coding change: c.-112G>A on transcript NM_001127511.3; 112 bases upstream of the start codon, G replaced by A.
Molecular consequence: 5 prime UTR variant. On other transcripts: non-coding transcript variant (2).
Genome position (GRCh38, 1-based): chr5:112,707,606, G>A. VCF-style: chr5-112707606-G-A. GRCh37 (hg19) VCF-style: chr5-112043303-G-A.
Other names: c.-62G>A (NM_001407448.1, NM_001407450.1, NM_001407457.1 and 1 more transcripts); c.-295G>A (NM_001407452.1, NM_001407456.1, NM_001407460.1 and 3 more transcripts); c.-86G>A (NM_001407453.1); c.-1330G>A (NM_001407470.1, NM_001407472.1); c.-112G>A (NM_001354897.2, NM_001354902.2, NM_001407446.1).
Identifiers: ClinVar variation 1018154 (VCV001018154.9), dbSNP rs1750587562, ClinGen allele CA1573442529.

ClinVar aggregate classification (germline): Uncertain significance (1 of 4 stars; one submission).

Conditions:
Familial adenomatous polyposis 1 (FAP1). Also called: FAMILIAL ADENOMATOUS POLYPOSIS 1, ATTENUATED; POLYPOSIS, ADENOMATOUS INTESTINAL. Identifiers: MedGen C2713442, MONDO:0021056, OMIM 175100. Disease mechanism: loss of function.

Submission:

Labcorp Genetics (formerly Invitae), Labcorp
Classification: Uncertain significance for Familial adenomatous polyposis 1. Last evaluated: 2025-06-08. Review status: criteria provided, single submitter. Criteria: Invitae Variant Classification Sherloc (09022015). Collection method: clinical testing. Allele origin: germline.
Comment: This variant occurs in a non-coding region of the APC gene. It does not change the encoded amino acid sequence of the APC protein. This variant is not present in population databases (gnomAD no frequency). This variant has not been reported in the literature in individuals affected with APC-related conditions. Experimental studies and prediction algorithms are not available or were not evaluated, and the functional significance of this variant is currently unknown. In summary, the available evidence is currently insufficient to determine the role of this variant in disease. Therefore, it has been classified as a Variant of Uncertain Significance.